The following is an entry in ClinVar:

ClinVar aggregate classification (germline): Likely benign (1 of 4 stars; one submission).

Allele frequency attached by ClinVar (database versions not stated): ExAC 0.00005.

Submission:

CeGaT Center for Human Genetics Tuebingen
Classification: Likely benign. Last evaluated: 2022-12-01. Review status: criteria provided, single submitter. Criteria: CeGaT Center For Human Genetics Tuebingen Variant Classification Criteria Version 2. Collection method: clinical testing. Allele origin: germline. Affected: yes. Observed: 1 variant allele.
Comment: GSPT2: BP4, BP7

NM_018094.5(GSPT2):c.1560C>T (p.Arg520=)

Gene: GSPT2 (G1 to S phase transition 2; plus strand). Cytogenetic location: Xp11.22.
Variant type: single nucleotide variant.
Coding change: c.1560C>T on transcript NM_018094.5 (MANE Select); coding-DNA position 1560, C replaced by T.
Protein change: p.Arg520=; no amino-acid change (arginine 520 retained).
Molecular consequence: synonymous variant.
Genome position (GRCh38, 1-based): chrX:51,745,186, C>T. VCF-style: chrX-51745186-C-T. GRCh37 (hg19) VCF-style: chrX-51488282-C-T.
Identifiers: ClinVar variation 2660574 (VCV002660574.24), dbSNP rs782194813, ClinGen allele CA10417330.